The following is an entry in ClinVar:

ClinVar aggregate classification (germline): Pathogenic/Likely pathogenic. Review status: criteria provided, multiple submitters, no conflicts (2 of 4 stars). 3 submissions from 3 submitters: Pathogenic (1); Likely pathogenic (2). Last evaluated 2025-08-22.

Conditions:
Fatal mitochondrial disease due to combined oxidative phosphorylation defect type 3. Also called: Combined oxidative phosphorylation deficiency 3; ENCEPHALOMYOPATHY, RESPIRATORY FAILURE, AND LACTIC ACIDOSIS. Identifiers: Orphanet 168566, MedGen C1864840, MONDO:0012512, OMIM 610505.

gnomAD v4.1: 1 of 1,591,122 alleles (0.000063%); highest among the groups gnomAD compares: Middle Eastern, 0.017%; no homozygotes.

Submissions (3):

Natera, Inc.
Classification: Likely pathogenic for Combined oxidative phosphorylation deficiency 3. Last evaluated: 2025-08-22. Review status: criteria provided, single submitter. Criteria: Natera Variant Classification Schema (03/2026). Collection method: clinical testing. Allele origin: germline.
Comment: The c.5C>A variant in TSFM is a nonsense variant predicted to introduce a stop codon at amino acid 2. This variant is expected to result in nonsense mediated decay, truncation, or a dysfunctional protein product. This variant is rare in the general population with a frequency below the threshold expected for the associated phenotype(s). Given the available evidence, this variant is classified as Likely Pathogenic.

Labcorp Genetics (formerly Invitae), Labcorp
Classification: Pathogenic. Last evaluated: 2023-07-29. Review status: criteria provided, single submitter. Criteria: Invitae Variant Classification Sherloc (09022015). Collection method: clinical testing. Allele origin: germline.
Comment: For these reasons, this variant has been classified as Pathogenic. This variant has not been reported in the literature in individuals affected with TSFM-related conditions. This variant is not present in population databases (gnomAD no frequency). This sequence change creates a premature translational stop signal (p.Ser2*) in the TSFM gene. It is expected to result in an absent or disrupted protein product. Loss-of-function variants in TSFM are known to be pathogenic (PMID: 17033963, 20435138, 25037205, 27677415).

Baylor Genetics
Classification: Likely pathogenic for Fatal mitochondrial disease due to combined oxidative phosphorylation defect type 3. Last evaluated: 2023-02-02. Review status: criteria provided, single submitter. Criteria: ACMG Guidelines, 2015. Collection method: clinical testing. Allele origin: unknown.

Literature cited by the submitters: PubMed 17033963 (cited by Labcorp Genetics (formerly Invitae), Labcorp); PubMed 20435138 (cited by Labcorp Genetics (formerly Invitae), Labcorp); PubMed 25037205 (cited by Labcorp Genetics (formerly Invitae), Labcorp); PubMed 27677415 (cited by Labcorp Genetics (formerly Invitae), Labcorp).

NM_005726.6(TSFM):c.5C>A (p.Ser2Ter)

Gene: TSFM (Ts translation elongation factor, mitochondrial; plus strand). Cytogenetic location: 12q14.1.
Variant type: single nucleotide variant.
Coding change: c.5C>A on transcript NM_005726.6 (MANE Select); coding-DNA position 5, C replaced by A.
Protein change: p.Ser2Ter; replaces serine 2 with a stop codon.
Molecular consequence: nonsense.
Genome position (GRCh38, 1-based): chr12:57,782,806, C>A. VCF-style: chr12-57782806-C-A. GRCh37 (hg19) VCF-style: chr12-58176589-C-A.
Other names: c.5C>A, p.Ser2Ter (NM_001172695.2, NM_001172696.2, NM_001172697.2); c.5C>A (NM_001172696.1); short protein forms S2*.
Identifiers: ClinVar variation 2679363 (VCV002679363.5), dbSNP rs35957924, ClinGen allele CA385522883.